The following is an entry in ClinVar:

ClinVar aggregate classification (germline): Conflicting classifications of pathogenicity. Review status: criteria provided, conflicting classifications (1 of 4 stars). 3 submissions from 3 submitters: Uncertain significance (2); Likely benign (1). Last evaluated 2025-11-13.

Conditions:
Inborn genetic diseases. Identifiers: MedGen C0950123, MeSH D030342.

Allele frequency attached by ClinVar (database versions not stated): TOPMed below 0.00001; gnomAD 0.00003; gnomAD exomes 0.00009; ExAC 0.00017; 1000 Genomes Project 30x 0.00031; 1000 Genomes Project 0.00040.
gnomAD v4.1: 134 of 1,613,640 alleles (0.0083%); highest among the groups gnomAD compares: South Asian, 0.086%; 1 homozygote.

Submissions (3):

Ambry Genetics
Classification: Uncertain significance for Inborn genetic diseases. Last evaluated: 2025-11-13. Review status: criteria provided, single submitter. Criteria: Ambry Variant Classification Scheme 2023. Collection method: clinical testing. Allele origin: germline.

GeneDx
Classification: Uncertain significance. Last evaluated: 2023-07-26. Review status: criteria provided, single submitter. Criteria: GeneDx Variant Classification Process June 2021. Collection method: clinical testing. Allele origin: germline. Affected: yes.
Comment: In silico analysis supports that this missense variant does not alter protein structure/function; Has not been previously published as pathogenic or benign to our knowledge

Labcorp Genetics (formerly Invitae), Labcorp
Classification: Likely benign. Last evaluated: 2023-07-26. Review status: criteria provided, single submitter. Criteria: Invitae Variant Classification Sherloc (09022015). Collection method: clinical testing. Allele origin: germline.

NM_001378609.3(OTOGL):c.2270T>C (p.Phe757Ser)

Gene: OTOGL (otogelin like; plus strand). Cytogenetic location: 12q21.31.
Variant type: single nucleotide variant.
Coding change: c.2270T>C on transcript NM_001378609.3 (MANE Select); coding-DNA position 2270, T replaced by C.
Protein change: p.Phe757Ser; replaces phenylalanine 757 with serine.
Molecular consequence: missense variant.
Genome position (GRCh38, 1-based): chr12:80,266,496, T>C. VCF-style: chr12-80266496-T-C. GRCh37 (hg19) VCF-style: chr12-80660276-T-C.
Other names: c.2243T>C (NM_173591.3); c.2270T>C, p.Phe757Ser (NM_001368062.3, NM_001378610.3, NM_173591.7); short protein forms F757S.
Identifiers: ClinVar variation 2187823 (VCV002187823.8), dbSNP rs532294251, ClinGen allele CA6700726.
Genomic context (GRCh38, chr12:80,266,496, plus strand): 5'-CTTCTTTGTCCTTAGCTGTGGTGTGCCAGAAGGGCATGCTGTACCATCACTGTTCCTCGT[T>C]CTGCCTCCATTCCTGCATTTCTCTCTCTTCCCCGGAGCAGTGCAGTGATGACTGTGCTGA-3'
Protein context (NP_001365538.2, residues 747-767): KGMLYHHCSS[Phe757Ser]CLHSCISLSS